The following is an entry in ClinVar:

NM_001164277.2(SLC37A4):c.59G>A (p.Gly20Asp)

Gene: SLC37A4 (solute carrier family 37 member 4; minus strand). Cytogenetic location: 11q23.3.
Variant type: single nucleotide variant.
Coding change: c.59G>A on transcript NM_001164277.2 (MANE Select); coding-DNA position 59, G replaced by A.
Protein change: p.Gly20Asp; replaces glycine 20 with aspartic acid.
Molecular consequence: missense variant. On other transcripts: intron variant (1).
Genome position (GRCh38, 1-based): chr11:119,029,311, C>T on the plus strand (G>A on the coding strand, the complement: SLC37A4 is on the minus strand). VCF-style: chr11-119029311-C-T. GRCh37 (hg19) VCF-style: chr11-118900021-C-T.
Other names: c.59G>A, p.Gly20Asp (NM_001164278.2, NM_001164280.2, NM_001467.6); c.-172+81G>A (NM_001164279.2); short protein forms G20D.
Identifiers: ClinVar variation 68286 (VCV000068286.31), dbSNP rs193302881, ClinGen allele CA219337.

ClinVar aggregate classification (germline): Pathogenic/Likely pathogenic. Review status: criteria provided, multiple submitters, no conflicts (2 of 4 stars). 11 submissions from 11 submitters: Pathogenic (8); Likely pathogenic (2). 1 of the submissions does not count toward it. Last evaluated 2025-10-27.

Conditions:
Phosphate transport defect (GSD1C). Also called: GSD Ic; GLYCOGEN STORAGE DISEASE Ic. Identifiers: Orphanet 364, Orphanet 79259, MedGen C0342749, OMIM 232240.
Glucose-6-phosphate transport defect (GSD1B). Also called: GSD Ib; Glycogen Storage Disease Type Ib. Identifiers: Orphanet 364, Orphanet 79259, MedGen C0268146, MONDO:0009288, OMIM 232220.
Congenital disorder of glycosylation, type IIw. Identifiers: MedGen C5561986, MONDO:0030437, OMIM 619525.

Allele frequency attached by ClinVar (database versions not stated): gnomAD 0.00001 and 0.00002; gnomAD exomes 0.00002; TOPMed 0.00002.

Submissions (11):

Labcorp Genetics (formerly Invitae), Labcorp
Classification: Pathogenic for Glucose-6-phosphate transport defect. Last evaluated: 2025-10-27. Review status: criteria provided, single submitter. Criteria: Invitae Variant Classification Sherloc (09022015). Collection method: clinical testing. Allele origin: germline.
Comment: This sequence change replaces glycine, which is neutral and non-polar, with aspartic acid, which is acidic and polar, at codon 20 of the SLC37A4 protein (p.Gly20Asp). This variant is present in population databases (rs193302881, gnomAD 0.003%). This missense change has been observed in individual(s) with glycogen-storage disease type Ib (GSD Ib) (PMID: 9758626, 10518030, 12373566; internal data). In at least one individual the data is consistent with being in trans (on the opposite chromosome) from a pathogenic variant. ClinVar contains an entry for this variant (Variation ID: 68286). Invitae Evidence Modeling of protein sequence and biophysical properties (such as structural, functional, and spatial information, amino acid conservation, physicochemical variation, residue mobility, and thermodynamic stability) indicates that this missense variant is expected to disrupt SLC37A4 protein function with a positive predictive value of 80%. Experimental studies have shown that this missense change affects SLC37A4 function (PMID: 12444104). For these reasons, this variant has been classified as Pathogenic.

Natera, Inc.
Classification: Pathogenic for Glycogen storage disease type Ib. Last evaluated: 2025-02-24. Review status: criteria provided, single submitter. Criteria: Natera Variant Classification Schema (03/2026). Collection method: clinical testing. Allele origin: germline.
Comment: The c.59G>A variant in SLC37A4 is a missense variant predicted to cause substitution of glycine to aspartic acid at amino acid 20. This variant is rare in the general population with a frequency below the threshold expected for the associated phenotype(s). This variant has been observed in one or more individuals affected with the associated recessive disease, as either homozygous or compound heterozygous with a second variant (PMID: 9758626, 31508908). Computational prediction algorithms indicate this variant is likely to affect gene or protein function. Given the available evidence, this variant is classified as Pathogenic.

CeGaT Center for Human Genetics Tuebingen
Classification: Likely pathogenic. Last evaluated: 2024-11-01. Review status: criteria provided, single submitter. Criteria: CeGaT Center For Human Genetics Tuebingen Variant Classification Criteria Version 2. Collection method: clinical testing. Allele origin: germline. Affected: yes. Observed: 2 variant alleles.
Comment: SLC37A4: PM3:Strong, PM2, PS3:Supporting

Baylor Genetics
Classification: Pathogenic for Glucose-6-phosphate transport defect. Last evaluated: 2024-03-14. Review status: criteria provided, single submitter. Criteria: ACMG Guidelines, 2015. Collection method: clinical testing. Allele origin: unknown.

Mayo Clinic Laboratories, Mayo Clinic
Classification: Pathogenic. Last evaluated: 2023-11-01. Review status: criteria provided, single submitter. Criteria: ACMG Guidelines, 2015. Collection method: clinical testing. Allele origin: germline. Observed: 1 variant allele.
Comment: PP3, PM2, PM3, PS3, PS4_moderate

Neuberg Centre For Genomic Medicine, NCGM
Classification: Pathogenic for Glucose-6-phosphate transport defect. Last evaluated: 2023-05-20. Review status: criteria provided, single submitter. Criteria: ACMG Guidelines, 2015. Collection method: clinical testing. Allele origin: germline. Inheritance: Autosomal recessive inheritance. Affected: yes.
Comment: The observed missense variant c.59G>A (p.Gly20Asp) in SLC37A4 gene has been reported previously in multiple individuals affected with Glycogen storage disease Ib (Jun et al. 2014; Wortmann et al. 2020). Experimental evidence shows that this variant destabilizes the glucose-6-phosphate transporter (G6PT) activity to <10% of normal microsomal G6P uptake activity (Chen et al. 2002). The p.Gly20Asp variant is present with an allele frequency of 0.002% on gnomAD exomes database. This variant has been submitted to the ClinVar database as Likely Pathogenic / Pathogenic (multiple submissions). Computational evidence (SIFT - damaging) predict a damaging effect on protein structure and function for this variant. The reference amino acid at this position on SLC37A4 gene is predicted as conserved by GERP++ and PhyloP across 100 vertebrates. The amino acid Gly at position 20 is changed to a Asp changing protein sequence and it might alter its composition and physico-chemical properties. For these reasons, this variant has been classified as Pathogenic.

Fulgent Genetics
Classification: Pathogenic for Glucose-6-phosphate transport defect; Phosphate transport defect; Congenital disorder of glycosylation, type IIw. Last evaluated: 2022-05-12. Review status: criteria provided, single submitter. Criteria: ACMG Guidelines, 2015. Collection method: clinical testing. Allele origin: unknown.

Mendelics
Classification: Likely pathogenic. Last evaluated: 2019-05-28. Review status: criteria provided, single submitter. Criteria: Mendelics Assertion Criteria 2017. Collection method: clinical testing. Allele origin: unknown.

Women's Health and Genetics/Laboratory Corporation of America, LabCorp
Classification: Pathogenic for Glucose-6-phosphate transport defect. Last evaluated: 2018-08-27. Review status: criteria provided, single submitter. Criteria: LabCorp Variant Classification Summary - May 2015. Collection method: clinical testing. Allele origin: germline.
Comment: Variant summary: SLC37A4 c.59G>A (p.Gly20Asp) results in a non-conservative amino acid change located in the Major facilitator superfamily domain (IPR020846) of the encoded protein sequence. Two of two in-silico tools predict a damaging effect of the variant on protein function. The variant allele was found at a frequency of 1.4e-05 in 276916 control chromosomes (gnomAD). c.59G>A has been reported in the literature in multiple individuals affected with Glycogen Storage Disease Type Ib and Type Ic (Veiga-da-Cunha 1998, Galli 1999, Jun 2014). These data indicate that the variant is very likely to be associated with disease. At least one publication reports experimental evidence evaluating an impact on protein function (Chen 2002). The most pronounced variant effect results in <10% of normal microsomal G6P uptake activity. No clinical diagnostic laboratories have submitted clinical-significance assessments for this variant to ClinVar after 2014. Based on the evidence outlined above, the variant was classified as pathogenic.

Juno Genomics, Hangzhou Juno Genomics, Inc
Classification: Pathogenic for Glucose-6-phosphate transport defect. Review status: criteria provided, single submitter. Criteria: ACMG Guidelines, 2015. Collection method: clinical testing. Allele origin: germline.
Comment: Absent from controls (or at extremely low frequency if recessive) in Genome Aggregation Database.;Well-established in vitro or in vivo functional studies supportive of a damaging effect on the gene or gene product.;For recessive disorders, detected in trans with a pathogenic variant.;Co-segregation with disease in multiple affected family members.

UniProtKB/Swiss-Prot
No classification provided. Review status: no classification provided. Collection method: not provided. Allele origin: not provided. Not counted in ClinVar's aggregate classification.

Literature cited by the submitters: PubMed 9758626 (cited by 4 submitters); PubMed 10518030 (cited by 3 submitters); PubMed 12373566 (cited by Labcorp Genetics (formerly Invitae), Labcorp and Mayo Clinic Laboratories, Mayo Clinic); PubMed 12444104 (cited by 3 submitters); PubMed 31508908 (cited by Natera, Inc.); PubMed 10940311 (cited by Mayo Clinic Laboratories, Mayo Clinic); PubMed 18835800 (cited by Mayo Clinic Laboratories, Mayo Clinic); PubMed 24565827 (cited by Mayo Clinic Laboratories, Mayo Clinic and Women's Health and Genetics/Laboratory Corporation of America, LabCorp); PubMed 31589614 (cited by Mayo Clinic Laboratories, Mayo Clinic); PubMed 34093558 (cited by Mayo Clinic Laboratories, Mayo Clinic).